The following is an entry in ClinVar:

ClinVar aggregate classification (germline): Uncertain significance (1 of 4 stars; one submission).

Allele frequency attached by ClinVar (database versions not stated): ExAC 0.00002; gnomAD exomes 0.00001.
gnomAD v4.1: 4 of 1,613,810 alleles (0.00025%); highest among the groups gnomAD compares: Admixed American, 0.0033%; no homozygotes.

Submission:

GeneDx
Classification: Uncertain significance. Last evaluated: 2019-11-19. Review status: criteria provided, single submitter. Criteria: GeneDx Variant Classification Process June 2021. Collection method: clinical testing. Allele origin: germline. Affected: yes.
Comment: In silico analysis, which includes protein predictors and evolutionary conservation, supports a deleterious effect; In addition, in silico splice predictors suggest this variant may lead to abnormal gene splicing. In the absence of RNA/functional studies, the actual effect of this sequence change is unknown.; Not observed at a significant frequency in large population cohorts (Lek et al., 2016); Has not been previously published as pathogenic or benign to our knowledge

NM_001081.4(CUBN):c.7342A>G (p.Ser2448Gly)

Gene: CUBN (cubilin; minus strand). Cytogenetic location: 10p13.
Variant type: single nucleotide variant.
Coding change: c.7342A>G on transcript NM_001081.4 (MANE Select); coding-DNA position 7342, A replaced by G.
Protein change: p.Ser2448Gly; replaces serine 2448 with glycine.
Molecular consequence: missense variant.
Genome position (GRCh38, 1-based): chr10:16,915,041, T>C on the plus strand (A>G on the coding strand, the complement: CUBN is on the minus strand). VCF-style: chr10-16915041-T-C. GRCh37 (hg19) VCF-style: chr10-16957040-T-C.
Other names: short protein forms S2448G.
Identifiers: ClinVar variation 1315974 (VCV001315974.2), dbSNP rs776447439, ClinGen allele CA5423411.